The following is an entry in ClinVar:

ClinVar aggregate classification (germline): Likely benign. Review status: criteria provided, multiple submitters, no conflicts (2 of 4 stars). 2 submissions from 2 submitters: Likely benign (2). Last evaluated 2025-09-07.

Conditions:
Catecholaminergic polymorphic ventricular tachycardia 1. Also called: VENTRICULAR TACHYCARDIA, CATECHOLAMINERGIC POLYMORPHIC, 1, WITH OR WITHOUT ATRIAL DYSFUNCTION AND/OR DILATED CARDIOMYOPATHY; RYR2-Related Catecholaminergic Polymorphic Ventricular Tachycardia; VENTRICULAR TACHYCARDIA, STRESS-INDUCED POLYMORPHIC 1. Identifiers: Orphanet 3286, MedGen C1631597, MONDO:0011484, OMIM 604772.
Catecholaminergic polymorphic ventricular tachycardia (CVPT). Also called: Catecholamine-induced polymorphic ventricular tachycardia. Identifiers: Orphanet 3286, MedGen C5574922, MONDO:0017990.

gnomAD v4.1: 5 of 1,559,550 alleles (0.00032%); highest among the groups gnomAD compares: Non-Finnish European, 0.00044%; no homozygotes.

Submissions (2):

Labcorp Genetics (formerly Invitae), Labcorp
Classification: Likely benign for Catecholaminergic polymorphic ventricular tachycardia 1. Last evaluated: 2025-09-07. Review status: criteria provided, single submitter. Criteria: Invitae Variant Classification Sherloc (09022015). Collection method: clinical testing. Allele origin: germline.

All of Us Research Program, National Institutes of Health
Classification: Likely benign for Catecholaminergic polymorphic ventricular tachycardia. Last evaluated: 2023-05-15. Review status: criteria provided, single submitter. Criteria: ACMG Guidelines, 2015. Collection method: clinical testing. Allele origin: germline. Inheritance: Autosomal dominant inheritance. Observed: 1 variant allele, 1 heterozygote.
Comment: This study involves interpretation of variants in research participants for the purpose of population health screening. Participant phenotype was not available at the time of variant classification. Additional details can be found in publication PMID: 35346344, PMCID: PMC8962531

NM_001035.3(RYR2):c.10936-14T>C

Gene: RYR2 (ryanodine receptor 2; plus strand). Cytogenetic location: 1q43.
Variant type: single nucleotide variant.
Coding change: c.10936-14T>C on transcript NM_001035.3 (MANE Select); 14 bases into the intron before coding-DNA position 10936, T replaced by C.
Molecular consequence: intron variant.
Genome position (GRCh38, 1-based): chr1:237,732,032, T>C. VCF-style: chr1-237732032-T-C. GRCh37 (hg19) VCF-style: chr1-237895332-T-C.
Identifiers: ClinVar variation 3070973 (VCV003070973.2), dbSNP rs149892933, ClinGen allele CA2651212322.